The following is an entry in ClinVar:

NM_032043.3(BRIP1):c.204_205+1delinsAGT

Gene: BRIP1 (BRCA1 interacting DNA helicase 1; minus strand). Cytogenetic location: 17q23.2.
Variant type: Indel.
Coding change: c.204_205+1delinsAGT on transcript NM_032043.3 (MANE Select); coding-DNA position 204 through the canonical splice donor site of the intron after coding-DNA position 205, TGG replaced by AGT.
Molecular consequence: splice donor variant.
Genome position (GRCh38, 1-based): chr17:61,859,795-61,859,797, CCA replaced by ACT on the plus strand (TGG replaced by AGT on the coding strand, the reverse complement: BRIP1 is on the minus strand). VCF-style: chr17-61859795-CCA-ACT. GRCh37 (hg19) VCF-style: chr17-59937156-CCA-ACT.
Other names: c.204_205+1delTGGinsAGT (NM_032043.2).
Identifiers: ClinVar variation 2583611 (VCV002583611.4), dbSNP rs2545471112, ClinGen allele CA2582342256.

ClinVar aggregate classification (germline): Likely pathogenic. Review status: criteria provided, multiple submitters, no conflicts (2 of 4 stars). 3 submissions from 3 submitters: Likely pathogenic (3). Last evaluated 2024-07-24.

Conditions:
Hereditary cancer-predisposing syndrome. Also called: Tumor predisposition; Hereditary neoplastic syndrome; Neoplastic Syndromes, Hereditary; Hereditary Cancer Syndrome. Identifiers: Orphanet 140162, MedGen C0027672, MeSH D009386, MONDO:0015356.
Familial cancer of breast. Also called: Hereditary breast cancer; BREAST CANCER, FAMILIAL; hereditary breast carcinoma. Identifiers: Orphanet 227535, MedGen C0346153, MONDO:0016419, OMIM 114480. Disease mechanism: loss of function.

Submissions (3):

Ambry Genetics
Classification: Likely pathogenic for Hereditary cancer-predisposing syndrome. Last evaluated: 2024-07-24. Review status: criteria provided, single submitter. Criteria: Ambry Variant Classification Scheme 2023. Collection method: clinical testing. Allele origin: germline.
Comment: The c.204_205+1delTGGinsAGT variant results from a deletion of three nucleotides and insertion of three nucleotides at positions c.204 to c.205+1 and involves the canonical splice donor site after coding exon 2 of the BRIP1 gene. The canonical splice donor site is highly conserved in available vertebrate species. In silico splice site analysis predicts that this alteration will weaken the native splice donor site; however, the exact impact of this deletion on BRIP1 splicing and function is currently unknown. This variant is considered to be rare based on population cohorts in the Genome Aggregation Database (gnomAD). Alterations that disrupt the canonical splice site are expected to cause aberrant splicing, resulting in an abnormal protein or a transcript that is subject to nonsense-mediated mRNA decay. As such, this alteration is classified as likely pathogenic.

Baylor Genetics
Classification: Likely pathogenic for Familial cancer of breast. Last evaluated: 2023-10-17. Review status: criteria provided, single submitter. Criteria: ACMG Guidelines, 2015. Collection method: clinical testing. Allele origin: unknown.

Myriad Genetics, Inc.
Classification: Likely pathogenic for Familial cancer of breast. Last evaluated: 2023-05-30. Review status: criteria provided, single submitter. Criteria: Myriad Autosomal Dominant, Autosomal Recessive and X-Linked Classification Criteria (2023). Collection method: clinical testing. Allele origin: unknown.
Comment: This variant is considered likely pathogenic. This variant occurs within a consensus splice junction and is predicted to result in abnormal mRNA splicing of either an out-of-frame exon or an in-frame exon necessary for protein stability and/or normal function.